The following is an entry in ClinVar:

ClinVar aggregate classification (germline): Uncertain significance (1 of 4 stars; one submission).

Submission:

Clinical Genomics Laboratory, Laboratory for Precision Diagnostics, University of Washington
Classification: Uncertain significance. Last evaluated: 2023-02-23. Review status: criteria provided, single submitter. Criteria: ACMG/ClinGen CNV Guidelines, 2019. Collection method: clinical testing. Allele origin: unknown. Affected: yes. Observed: 1 variant allele.
Comment: The duplication is approximately 1.24 Mb in size and contains 28 protein-coding genes. This recurrent duplication of the 22q11.2 region, between LCR22F and LCR22H, is also sometimes referred to as a distal 22q11.2 microduplication. The pathogenicity of the 22q11.23 LCR22E/F-H distal duplications is controversial. Publications in the medical literature have described them in association with neurodevelopmental disorders and other findings, but with reduced penetrance and variable expressivity (PMD:29147671, PMID:24167465, PMID:22140377). Other evidence does not support pathogenicity. In contrast, ClinGen has found little evidence for triplosensitivity for this duplication. Duplication of the LCR22E/F-H region is associated with a highly variable phenotype. The majority of E/F-H duplications are inherited, most often from apparently unaffected parents. There are examples of these duplications both segregating and not segregating with an abnormal phenotype in families, and they are frequent in databases of copy number variants found in healthy control groups (DGV and gnomAD). In a case-control study, PMID: 25217958 did not find that this duplication is significantly enriched in children with developmental delay/intellectual disability, multiple congenital anomalies or other findings compared to controls.

Literature cited by the submitters: PubMed 25217958; PubMed 29147671; PubMed 24167465; PubMed 22140377.

GRCh38/hg38 22q11.23(chr22:23357082-24600663)x3

Genes: GSTT2 (glutathione S-transferase theta 2 (gene/pseudogene); plus strand), GSTT2B (glutathione S-transferase theta 2B; minus strand), GSTT4 (glutathione S-transferase theta 4; minus strand), GUCD1 (guanylyl cyclase domain containing 1; minus strand), ADORA2A (adenosine A2a receptor; plus strand) and 73 more. Cytogenetic location: 22q11.23.
Variant type: copy number gain.
Change: copy number 3 (three copies instead of two) of chr22:23,357,082-24,600,663 (1.24 Mb, GRCh38 coordinates, 1-based), cytogenetic band 22q11.23.
Identifiers: ClinVar variation 4890999 (VCV004890999.1).